The following is an entry in ClinVar:

NM_003630.3(PEX3):c.494T>G (p.Leu165Ter)

Gene: PEX3 (peroxisomal biogenesis factor 3; plus strand). Cytogenetic location: 6q24.2.
Variant type: single nucleotide variant.
Coding change: c.494T>G on transcript NM_003630.3 (MANE Select); coding-DNA position 494, T replaced by G.
Protein change: p.Leu165Ter; replaces leucine 165 with a stop codon.
Molecular consequence: nonsense.
Genome position (GRCh38, 1-based): chr6:143,471,420, T>G. VCF-style: chr6-143471420-T-G. GRCh37 (hg19) VCF-style: chr6-143792557-T-G.
Other names: short protein forms L165*.
Identifiers: ClinVar variation 3648454 (VCV003648454.2).

ClinVar aggregate classification (germline): Pathogenic (1 of 4 stars; one submission).

Submission:

Labcorp Genetics (formerly Invitae), Labcorp
Classification: Pathogenic. Last evaluated: 2024-04-05. Review status: criteria provided, single submitter. Criteria: Invitae Variant Classification Sherloc (09022015). Collection method: clinical testing. Allele origin: germline.
Comment: This sequence change creates a premature translational stop signal (p.Leu165*) in the PEX3 gene. It is expected to result in an absent or disrupted protein product. Loss-of-function variants in PEX3 are known to be pathogenic (PMID: 10942428, 21031596). This variant is not present in population databases (gnomAD no frequency). This variant has not been reported in the literature in individuals affected with PEX3-related conditions. For these reasons, this variant has been classified as Pathogenic.

Literature cited by the submitters: PubMed 10942428; PubMed 21031596.